The following is an entry in ClinVar:

NM_001018005.2(TPM1):c.163G>A (p.Asp55Asn)

Gene: TPM1 (tropomyosin 1; plus strand). Cytogenetic location: 15q22.2.
Variant type: single nucleotide variant.
Coding change: c.163G>A on transcript NM_001018005.2 (MANE Select); coding-DNA position 163, G replaced by A.
Protein change: p.Asp55Asn; replaces aspartic acid 55 with asparagine.
Molecular consequence: missense variant. On other transcripts: intron variant (3).
Genome position (GRCh38, 1-based): chr15:63,044,075, G>A. VCF-style: chr15-63044075-G-A. GRCh37 (hg19) VCF-style: chr15-63336274-G-A.
Other names: c.163G>A, p.Asp55Asn (NM_000366.6, NM_001018004.2, NM_001018006.2 and 3 more transcripts); c.289G>A, p.Asp97Asn (NM_001365778.1); c.240+244G>A (NM_001018020.2, NM_001018007.2, NM_001301244.2); short protein forms D55N, D97N.
Identifiers: ClinVar variation 43404 (VCV000043404.6), dbSNP rs397516363, ClinGen allele CA017879.

ClinVar aggregate classification (germline): Conflicting classifications of pathogenicity. Review status: criteria provided, conflicting classifications (1 of 4 stars). 2 submissions from 2 submitters: Likely pathogenic (1); Uncertain significance (1). Last evaluated 2023-08-25.

Conditions:
Dilated cardiomyopathy 1Y (CMD1Y). Identifiers: Orphanet 154, Orphanet 54260, MedGen C2678476, MONDO:0012744, OMIM 611878.
Primary dilated cardiomyopathy (DCM). Also called: Dilated Cardiomyopathy. Identifiers: Orphanet 217604, MedGen C0007193, MeSH D002311, MONDO:0005021, HP:0001644. Inheritance: Various modes of inheritance.

Submissions (2):

3billion
Classification: Uncertain significance for Dilated cardiomyopathy 1Y. Last evaluated: 2023-08-25. Review status: criteria provided, single submitter. Criteria: ACMG Guidelines, 2015. Collection method: clinical testing. Allele origin: germline. Affected: yes.
Comment: The variant is not observed in the gnomAD v2.1.1 dataset. Predicted Consequence/Location: Missense variant In silico tool predictions suggest damaging effect of the variant on gene or gene product [3Cnet: 0.90 (>=0.6, sensitivity 0.72 and precision 0.9)]. Same nucleotide change resulting in same amino acid change(ClinVar ID: VCV000043404) and a different missense change at the same codon (p.Asp55Tyr / ClinVar ID: VCV000691666) have been previously reported to be associated with TPM1 related disorder. However the evidence of pathogenicity is insufficient at this time. Therefore, this variant is classified as VUS according to the recommendation of ACMG/AMP guideline.

Laboratory for Molecular Medicine, Mass General Brigham Personalized Medicine
Classification: Likely pathogenic for Primary dilated cardiomyopathy. Last evaluated: 2011-04-20. Review status: criteria provided, single submitter. Criteria: LMM Criteria. Collection method: clinical testing. Allele origin: germline. Observed: 6 variant alleles.
Comment: The Asp55Asn variant has not been reported in the literature nor been previously identified by our laboratory. Aspartic acid (Asp) at amino acid position 55 is highly conserved across evolutionary distant species, increasing the likelihood that the change is pathogenic. This low f requency also supports a pathogenic role. Finally, this variant was predicted to be pathogenic using a novel computational tool, which was validated by our labo ratory using a set of cardiomyopathy variants with well-established clinical sig nificance. This tool's pathogenic prediction is estimated to be correct 94% of t he time, which suggests but does not prove that this variant is pathogenic (Jord an 2011). In summary, this variant is likely to be pathogenic.